The following is an entry in ClinVar:

ClinVar aggregate classification (germline): Uncertain significance. Review status: criteria provided, multiple submitters, no conflicts (2 of 4 stars). 5 submissions from 5 submitters: Uncertain significance (5). Last evaluated 2026-09-02.

Conditions:
Inborn genetic diseases. Identifiers: MedGen C0950123, MeSH D030342.
TJP2-related disorder. Also called: TJP2-related condition.

Allele frequency attached by ClinVar (database versions not stated): gnomAD 0.00002 and 0.00046; gnomAD exomes 0.00002 and 0.00008; ExAC 0.00003; TOPMed 0.00074.

Submissions (5):

PreventionGenetics, part of Exact Sciences
Classification: Uncertain significance for TJP2-related condition. Last evaluated: 2026-09-02. Review status: criteria provided, single submitter. Criteria: ACMG Guidelines, 2015. Collection method: clinical testing. Allele origin: germline.
Comment: The TJP2 c.1018A>G variant is predicted to result in the amino acid substitution p.Lys340Glu. To our knowledge, this variant has not been reported in the literature. This variant is reported in 0.0054% of alleles in individuals of European (Non-Finnish) descent in gnomAD. At this time, the clinical significance of this variant is uncertain due to the absence of conclusive functional and genetic evidence.

GeneDx
Classification: Uncertain significance. Last evaluated: 2025-10-23. Review status: criteria provided, single submitter. Criteria: GeneDx Variant Classification Process June 2021. Collection method: clinical testing. Allele origin: germline. Affected: yes.
Comment: In silico analysis suggests that this missense variant does not alter protein structure/function; Has not been previously published as pathogenic or benign to our knowledge

Ambry Genetics
Classification: Uncertain significance for Inborn genetic diseases. Last evaluated: 2022-03-29. Review status: criteria provided, single submitter. Criteria: Ambry Variant Classification Scheme 2023. Collection method: clinical testing. Allele origin: germline.

Labcorp Genetics (formerly Invitae), Labcorp
Classification: Uncertain significance. Last evaluated: 2022-03-19. Review status: criteria provided, single submitter. Criteria: Invitae Variant Classification Sherloc (09022015). Collection method: clinical testing. Allele origin: germline.
Comment: This sequence change replaces lysine, which is basic and polar, with glutamic acid, which is acidic and polar, at codon 340 of the TJP2 protein (p.Lys340Glu). This variant is present in population databases (rs763206171, gnomAD 0.006%). This variant has not been reported in the literature in individuals affected with TJP2-related conditions. ClinVar contains an entry for this variant (Variation ID: 593669). Algorithms developed to predict the effect of missense changes on protein structure and function are either unavailable or do not agree on the potential impact of this missense change (SIFT: "Deleterious"; PolyPhen-2: "Possibly Damaging"; Align-GVGD: "Class C0"). In summary, the available evidence is currently insufficient to determine the role of this variant in disease. Therefore, it has been classified as a Variant of Uncertain Significance.

Eurofins Ntd Llc (ga)
Classification: Uncertain significance. Last evaluated: 2017-08-15. Review status: criteria provided, single submitter. Criteria: EGL Classification Definitions 2015. Collection method: clinical testing. Allele origin: germline. Observed: 1 variant allele, 1 heterozygote.

NM_004817.4(TJP2):c.1018A>G (p.Lys340Glu)

Gene: TJP2 (tight junction protein 2; plus strand). Cytogenetic location: 9q21.11.
Variant type: single nucleotide variant.
Coding change: c.1018A>G on transcript NM_004817.4 (MANE Select); coding-DNA position 1018, A replaced by G.
Protein change: p.Lys340Glu; replaces lysine 340 with glutamic acid.
Molecular consequence: missense variant.
Genome position (GRCh38, 1-based): chr9:69,225,369, A>G. VCF-style: chr9-69225369-A-G. GRCh37 (hg19) VCF-style: chr9-71840285-A-G.
Other names: c.1018A>G, p.Lys340Glu (LRG_1201t1, NM_001369872.1, NM_001369873.1 and 1 more transcripts); c.949A>G, p.Lys317Glu (NM_001170414.2, NM_001369870.1, NM_001369871.1); c.1030A>G, p.Lys344Glu (NM_001170415.1, NM_001369874.1, NM_001369875.1); c.1111A>G, p.Lys371Glu (NM_001170416.2); short protein forms K340E, K317E, K371E, K344E.
Identifiers: ClinVar variation 593669 (VCV000593669.12), dbSNP rs763206171, ClinGen allele CA5073166.
Genomic context (GRCh38, chr9:69,225,369, plus strand): 5'-GGTCTCCGGCTTGGGAGTCAGATCTTCGTAAAGGAAATGACCCGAACGGGTCTGGCAACT[A>G]AAGATGGCAACCTTCACGAAGGAGACATAATTCTCAAGGTGGGTAGATGGGGGCAGAGAA-3'
Protein context (NP_004808.2, residues 330-350): KEMTRTGLAT[Lys340Glu]DGNLHEGDII